The following is an entry in ClinVar:

ClinVar aggregate classification (germline): Uncertain significance. Review status: criteria provided, multiple submitters, no conflicts (2 of 4 stars). 3 submissions from 3 submitters: Uncertain significance (3). Last evaluated 2025-04-12.

Conditions:
Glycogen storage disease, type VI (GSD6). Also called: Glycogen storage disease type 6; Hepatic glycogen phosphorylase deficiency; HERS DISEASE; PHOSPHORYLASE DEFICIENCY GLYCOGEN-STORAGE DISEASE OF LIVER; Glycogen storage disease type 6, due to phosphorylation; GSD VI. Identifiers: Orphanet 369, MedGen C0017925, MONDO:0009294, OMIM 232700.
Inborn genetic diseases. Identifiers: MedGen C0950123, MeSH D030342.

Allele frequency attached by ClinVar (database versions not stated): gnomAD 0.00001; gnomAD exomes 0.00002 and 0.00006; TOPMed 0.00003; ExAC 0.00006.
gnomAD v4.1: 27 of 1,613,732 alleles (0.0017%); highest among the groups gnomAD compares: Admixed American, 0.025%; no homozygotes.

Submissions (3):

Ambry Genetics
Classification: Uncertain significance for Inborn genetic diseases. Last evaluated: 2025-04-12. Review status: criteria provided, single submitter. Criteria: Ambry Variant Classification Scheme 2023. Collection method: clinical testing. Allele origin: germline.

Labcorp Genetics (formerly Invitae), Labcorp
Classification: Uncertain significance for Glycogen storage disease, type VI. Last evaluated: 2023-03-10. Review status: criteria provided, single submitter. Criteria: Invitae Variant Classification Sherloc (09022015). Collection method: clinical testing. Allele origin: germline.
Comment: This sequence change replaces arginine, which is basic and polar, with tryptophan, which is neutral and slightly polar, at codon 161 of the PYGL protein (p.Arg161Trp). In summary, the available evidence is currently insufficient to determine the role of this variant in disease. Therefore, it has been classified as a Variant of Uncertain Significance. Advanced modeling of protein sequence and biophysical properties (such as structural, functional, and spatial information, amino acid conservation, physicochemical variation, residue mobility, and thermodynamic stability) performed at Invitae indicates that this missense variant is expected to disrupt PYGL protein function. ClinVar contains an entry for this variant (Variation ID: 1163946). This variant has not been reported in the literature in individuals affected with PYGL-related conditions. This variant is present in population databases (rs749811385, gnomAD 0.03%).

Mayo Clinic Laboratories, Mayo Clinic
Classification: Uncertain significance. Last evaluated: 2020-02-10. Review status: criteria provided, single submitter. Criteria: ACMG Guidelines, 2015. Collection method: clinical testing. Allele origin: germline. Observed: 1 variant allele.

NM_002863.5(PYGL):c.481C>T (p.Arg161Trp)

Gene: PYGL (glycogen phosphorylase L; minus strand). Cytogenetic location: 14q22.1.
Variant type: single nucleotide variant.
Coding change: c.481C>T on transcript NM_002863.5 (MANE Select); coding-DNA position 481, C replaced by T.
Protein change: p.Arg161Trp; replaces arginine 161 with tryptophan.
Molecular consequence: missense variant.
Genome position (GRCh38, 1-based): chr14:50,931,720, G>A on the plus strand (C>T on the coding strand, the complement: PYGL is on the minus strand). VCF-style: chr14-50931720-G-A. GRCh37 (hg19) VCF-style: chr14-51398438-G-A.
Other names: c.379C>T, p.Arg127Trp (NM_001163940.2); short protein forms R127W, R161W.
Identifiers: ClinVar variation 1163946 (VCV001163946.13), dbSNP rs749811385, ClinGen allele CA7183795.